The following is an entry in ClinVar:

ClinVar aggregate classification (germline): Pathogenic (1 of 4 stars; one submission).

Conditions:
Neurofibromatosis, type 1 (NF1). Also called: VON RECKLINGHAUSEN DISEASE; Peripheral type neurofibromatosis; NEUROFIBROMATOSIS, TYPE I, SOMATIC; Neurofibromatosis, type I. Identifiers: Orphanet 636, MedGen C0027831, MONDO:0018975, OMIM 162200. Disease mechanism: loss of function.

Submission:

Labcorp Genetics (formerly Invitae), Labcorp
Classification: Pathogenic for Neurofibromatosis, type 1. Last evaluated: 2020-02-27. Review status: criteria provided, single submitter. Criteria: Invitae Variant Classification Sherloc (09022015). Collection method: clinical testing. Allele origin: germline.
Comment: For these reasons, this variant has been classified as Pathogenic. This sequence change creates a premature translational stop signal (p.Tyr1668*) in the NF1 gene. It is expected to result in an absent or disrupted protein product. This variant is not present in population databases (ExAC no frequency). This variant has not been reported in the literature in individuals with NF1-related conditions. Loss-of-function variants in NF1 are known to be pathogenic (PMID: 10712197, 23913538).

Literature cited by the submitters: PubMed 10712197; PubMed 23913538.

NM_001042492.3(NF1):c.5063_5066dup (p.Tyr1689Ter)

Gene: NF1 (neurofibromin 1; plus strand). Cytogenetic location: 17q11.2.
Variant type: Duplication.
Coding change: c.5063_5066dup on transcript NM_001042492.3 (MANE Select); coding-DNA positions 5063 to 5066, 4 bases duplicated (AGTA; older notation c.5063_5066dupAGTA).
Protein change: p.Tyr1689Ter; replaces tyrosine 1689 with a stop codon.
Molecular consequence: nonsense. On other transcripts: frameshift variant (1).
Genome position (GRCh38, 1-based): chr17:31,326,047-31,326,050, AGTA duplicated. VCF-style (leftmost placement, unchanged base first): chr17-31326046-G-GAGTA. GRCh37 (hg19) VCF-style: chr17-29653064-G-GAGTA.
Other names: c.5000_5003dup, p.Tyr1668Terfs (NM_000267.4); short protein forms Y1668*, Y1689*.
Identifiers: ClinVar variation 1072598 (VCV001072598.5), dbSNP rs2151538327, ClinGen allele CA2499224160.